The following is an entry in ClinVar:

ClinVar aggregate classification (germline): Likely benign (1 of 4 stars; one submission).

Submission:

CeGaT Center for Human Genetics Tuebingen
Classification: Likely benign. Last evaluated: 2025-02-01. Review status: criteria provided, single submitter. Criteria: CeGaT Center For Human Genetics Tuebingen Variant Classification Criteria Version 2. Collection method: clinical testing. Allele origin: germline. Affected: yes. Observed: 1 variant allele.
Comment: NECAP1: PM2:Supporting, BP4, BP7

NM_015509.4(NECAP1):c.792C>T (p.Asn264=)

Gene: NECAP1 (NECAP endocytosis associated 1; plus strand). Cytogenetic location: 12p13.31.
Variant type: single nucleotide variant.
Coding change: c.792C>T on transcript NM_015509.4 (MANE Select); coding-DNA position 792, C replaced by T.
Protein change: p.Asn264=; no amino-acid change (asparagine 264 retained).
Molecular consequence: synonymous variant. On other transcripts: non-coding transcript variant (1).
Genome position (GRCh38, 1-based): chr12:8,096,054, C>T. VCF-style: chr12-8096054-C-T. GRCh37 (hg19) VCF-style: chr12-8248650-C-T.
Identifiers: ClinVar variation 3772506 (VCV003772506.13).